The following is an entry in ClinVar:

ClinVar aggregate classification (germline): Uncertain significance (1 of 4 stars; one submission).

Conditions:
Lafora disease. Also called: Epilepsy progressive myoclonic 2; Progressive Myoclonus Epilepsy, Lafora Type. Identifiers: Orphanet 501, MedGen C0751783, MONDO:0009697.

Submission:

Labcorp Genetics (formerly Invitae), Labcorp
Classification: Uncertain significance for Lafora disease. Last evaluated: 2022-08-19. Review status: criteria provided, single submitter. Criteria: Invitae Variant Classification Sherloc (09022015). Collection method: clinical testing. Allele origin: germline.
Comment: In summary, the available evidence is currently insufficient to determine the role of this variant in disease. Therefore, it has been classified as a Variant of Uncertain Significance. This variant has not been reported in the literature in individuals affected with NHLRC1-related conditions. This variant is not present in population databases (gnomAD no frequency). This sequence change affects codon 310 of the NHLRC1 mRNA. It is a 'silent' change, meaning that it does not change the encoded amino acid sequence of the NHLRC1 protein.

NM_198586.3(NHLRC1):c.930T>C (p.Phe310=)

Gene: NHLRC1 (NHL repeat containing E3 ubiquitin protein ligase 1; minus strand). Cytogenetic location: 6p22.3.
Variant type: single nucleotide variant.
Coding change: c.930T>C on transcript NM_198586.3 (MANE Select); coding-DNA position 930, T replaced by C.
Protein change: p.Phe310=; no amino-acid change (phenylalanine 310 retained).
Molecular consequence: synonymous variant.
Genome position (GRCh38, 1-based): chr6:18,121,677, A>G on the plus strand (T>C on the coding strand, the complement: NHLRC1 is on the minus strand). VCF-style: chr6-18121677-A-G. GRCh37 (hg19) VCF-style: chr6-18121908-A-G.
Identifiers: ClinVar variation 2024630 (VCV002024630.4), dbSNP rs2533895754, ClinGen allele CA448957667.
Genomic context (GRCh38, chr6:18,121,677, plus strand): 5'-CTGGTGATCAAAGGTCACAGCGGAGGCAGTTATTTTGGAGGGAAAGTAGAGGCTCAGCCC[A>G]AAGGTATCCACTTGGCCGACAAGCTGCATACTTGAGCTAAACACTTTCACCCTGGTGCTG-3'
Protein context (NP_940988.2, residues 300-320): SMQLVGQVDT[Phe310=]GLSLYFPSKI